The following is an entry in ClinVar:

NM_182925.5(FLT4):c.2733C>A (p.Asn911Lys)

Gene: FLT4 (fms related receptor tyrosine kinase 4; minus strand). Cytogenetic location: 5q35.3.
Variant type: single nucleotide variant.
Coding change: c.2733C>A on transcript NM_182925.5 (MANE Select); coding-DNA position 2733, C replaced by A.
Protein change: p.Asn911Lys; replaces asparagine 911 with lysine.
Molecular consequence: missense variant.
Genome position (GRCh38, 1-based): chr5:180,619,281, G>T on the plus strand (C>A on the coding strand, the complement: FLT4 is on the minus strand). VCF-style: chr5-180619281-G-T. GRCh37 (hg19) VCF-style: chr5-180046281-G-T.
Other names: c.2733C>A, p.Asn911Lys (NM_001354989.2, NM_002020.5); short protein forms N911K.
Identifiers: ClinVar variation 4537647 (VCV004537647.1).

ClinVar aggregate classification (germline): Uncertain significance (1 of 4 stars; one submission).

Submission:

GeneDx
Classification: Uncertain significance. Last evaluated: 2025-06-11. Review status: criteria provided, single submitter. Criteria: GeneDx Variant Classification Process June 2021. Collection method: clinical testing. Allele origin: germline. Affected: yes.
Comment: Not observed at significant frequency in large population cohorts (gnomAD); In silico analysis supports that this missense variant has a deleterious effect on protein structure/function; Has not been previously published as pathogenic or benign to our knowledge; This variant is associated with the following publications: (PMID: 10835628, 11114740)